The following is an entry in ClinVar:

NM_024408.4(NOTCH2):c.1315G>A (p.Ala439Thr)

Gene: NOTCH2 (notch receptor 2; minus strand). Cytogenetic location: 1p12.
Variant type: single nucleotide variant.
Coding change: c.1315G>A on transcript NM_024408.4 (MANE Select); coding-DNA position 1315, G replaced by A.
Protein change: p.Ala439Thr; replaces alanine 439 with threonine.
Molecular consequence: missense variant.
Genome position (GRCh38, 1-based): chr1:119,967,571, C>T on the plus strand (G>A on the coding strand, the complement: NOTCH2 is on the minus strand). VCF-style: chr1-119967571-C-T. GRCh37 (hg19) VCF-style: chr1-120510194-C-T.
Other names: c.1315G>A, p.Ala439Thr (NM_001200001.2); short protein forms A439T.
Identifiers: ClinVar variation 463169 (VCV000463169.39), dbSNP rs199565938, ClinGen allele CA1040561.
Genomic context (GRCh38, chr1:119,967,571, plus strand): 5'-CATTGATGTCCATCTCACAACGAGGTCCTGCATAACCCTTCAGACACTCACAGTGGAAGG[C>T]GCCATCCGTGTTCACACATTTTCCTGCATGCTCACAAGGATTGCTATTGGCTGAAAGACA-3'
Protein context (NP_077719.2, residues 429-449): HAGKCVNTDG[Ala439Thr]FHCECLKGYA

ClinVar aggregate classification (germline): Benign/Likely benign. Review status: criteria provided, multiple submitters, no conflicts (2 of 4 stars). 6 submissions from 6 submitters: Benign (2); Likely benign (2). 2 of the submissions do not count toward it. Last evaluated 2026-06-01.

Conditions:
Hajdu-Cheney syndrome (HJCYS). Also called: Acroosteolysis dominant type; ACROOSTEOLYSIS WITH OSTEOPOROSIS AND CHANGES IN SKULL AND MANDIBLE; SERPENTINE FIBULA-POLYCYSTIC KIDNEY SYNDROME. Identifiers: Orphanet 955, MedGen C0917715, MONDO:0007057, OMIM 102500.

Allele frequency attached by ClinVar (database versions not stated): ESP Exome Variant Server 0.00008; gnomAD 0.00008 and 0.00024; TOPMed 0.00013; gnomAD exomes 0.00046 and 0.00077; 1000 Genomes Project 30x 0.00078; 1000 Genomes Project 0.00080; ExAC 0.00082.
gnomAD v4.1: 696 of 1,614,102 alleles (0.043%); highest among the groups gnomAD compares: South Asian, 0.54%; 6 homozygotes.

Submissions (6):

CeGaT Center for Human Genetics Tuebingen
Classification: Likely benign. Last evaluated: 2026-06-01. Review status: criteria provided, single submitter. Criteria: CeGaT Center For Human Genetics Tuebingen Variant Classification Criteria Version 2. Collection method: clinical testing. Allele origin: germline. Affected: yes. Observed: 6 variant alleles.
Comment: NOTCH2: BP4, BS1

Labcorp Genetics (formerly Invitae), Labcorp
Classification: Benign for Hajdu-Cheney syndrome. Last evaluated: 2026-01-19. Review status: criteria provided, single submitter. Criteria: Invitae Variant Classification Sherloc (09022015). Collection method: clinical testing. Allele origin: germline.

Blueprint Genetics
Classification: Likely benign. Last evaluated: 2024-11-13. Review status: criteria provided, single submitter. Criteria: ACMG Guidelines, 2015. Collection method: clinical testing. Allele origin: germline.

Eurofins Ntd Llc (ga)
Classification: Benign. Last evaluated: 2017-05-08. Review status: criteria provided, single submitter. Criteria: EGL Classification Definitions 2015. Collection method: clinical testing. Allele origin: germline. Observed: 1 variant allele, 1 heterozygote.

Clinical Genetics DNA and cytogenetics Diagnostics Lab, Erasmus MC, Erasmus Medical Center
Classification: Likely benign. Review status: no assertion criteria provided. Collection method: clinical testing. Allele origin: germline. Affected: yes. Study: VKGL Data-share Consensus. Not counted in ClinVar's aggregate classification.

Laboratory of Diagnostic Genome Analysis, Leiden University Medical Center (LUMC)
Classification: Likely benign. Review status: no assertion criteria provided. Collection method: clinical testing. Allele origin: germline. Affected: yes. Study: VKGL Data-share Consensus. Not counted in ClinVar's aggregate classification.